The following is an entry in ClinVar:

ClinVar aggregate classification (germline): Uncertain significance. Review status: criteria provided, multiple submitters, no conflicts (2 of 4 stars). 2 submissions from 2 submitters: Uncertain significance (2). Last evaluated 2025-07-02.

Conditions:
Inborn genetic diseases. Identifiers: MedGen C0950123, MeSH D030342.

Allele frequency attached by ClinVar (database versions not stated): TOPMed 0.00003; gnomAD 0.00004 and 0.00003; ExAC 0.00002.
gnomAD v4.1: 35 of 1,613,126 alleles (0.0022%); highest among the groups gnomAD compares: Non-Finnish European, 0.0025%; no homozygotes.

Submissions (2):

Ambry Genetics
Classification: Uncertain significance for Inborn genetic diseases. Last evaluated: 2025-07-02. Review status: criteria provided, single submitter. Criteria: Ambry Variant Classification Scheme 2023. Collection method: clinical testing. Allele origin: germline.

Labcorp Genetics (formerly Invitae), Labcorp
Classification: Uncertain significance. Last evaluated: 2022-10-04. Review status: criteria provided, single submitter. Criteria: Invitae Variant Classification Sherloc (09022015). Collection method: clinical testing. Allele origin: germline.
Comment: This sequence change replaces alanine, which is neutral and non-polar, with valine, which is neutral and non-polar, at codon 1032 of the FAT4 protein (p.Ala1032Val). This variant is present in population databases (rs754931963, gnomAD 0.004%). This variant has not been reported in the literature in individuals affected with FAT4-related conditions. ClinVar contains an entry for this variant (Variation ID: 1366256). Advanced modeling of protein sequence and biophysical properties (such as structural, functional, and spatial information, amino acid conservation, physicochemical variation, residue mobility, and thermodynamic stability) performed at Invitae indicates that this missense variant is not expected to disrupt FAT4 protein function. In summary, the available evidence is currently insufficient to determine the role of this variant in disease. Therefore, it has been classified as a Variant of Uncertain Significance.

NM_001291303.3(FAT4):c.3095C>T (p.Ala1032Val)

Gene: FAT4 (FAT atypical cadherin 4; plus strand). Cytogenetic location: 4q28.1.
Variant type: single nucleotide variant.
Coding change: c.3095C>T on transcript NM_001291303.3 (MANE Select); coding-DNA position 3095, C replaced by T.
Protein change: p.Ala1032Val; replaces alanine 1032 with valine.
Molecular consequence: missense variant.
Genome position (GRCh38, 1-based): chr4:125,319,506, C>T. VCF-style: chr4-125319506-C-T. GRCh37 (hg19) VCF-style: chr4-126240661-C-T.
Other names: c.3095C>T, p.Ala1032Val (NM_001291285.3, NM_024582.6); c.3095C>T (NM_024582.4); short protein forms A1032V.
Identifiers: ClinVar variation 1366256 (VCV001366256.5), dbSNP rs754931963, ClinGen allele CA3072259.